The following is an entry in ClinVar:

ClinVar aggregate classification (germline): Uncertain significance (1 of 4 stars; one submission).

Conditions:
Epidermolysis bullosa simplex 5B, with muscular dystrophy (EBS5B). Also called: Epidermolysis bullosa simplex with muscular dystrophy; EPIDERMOLYSIS BULLOSA SIMPLEX AND LIMB-GIRDLE MUSCULAR DYSTROPHY. Identifiers: Orphanet 257, MedGen C2931072, MONDO:0009181, OMIM 226670.
Epidermolysis bullosa simplex, Ogna type (EBS5A). Also called: Pidermolysis bullosa simplex 5A, Ogna type; EPIDERMOLYSIS BULLOSA SIMPLEX 5A, OGNA TYPE. Identifiers: Orphanet 79401, MedGen C0432317, MONDO:0007555, OMIM 131950.
Epidermolysis bullosa simplex 5C, with pyloric atresia (EBS5C). Also called: Epidermolysis bullosa simplex with pyloric atresia; PLEC-Related Epidermolysis Bullosa with Pyloric Atresia; PLEC1-Related Epidermolysis Bullosa with Pyloric Atresia. Identifiers: Orphanet 158684, MedGen C2677349, MONDO:0012807, OMIM 612138.
Autosomal recessive limb-girdle muscular dystrophy type 2Q (LGMDR17). Also called: MUSCULAR DYSTROPHY, LIMB-GIRDLE, AUTOSOMAL RECESSIVE 17. Identifiers: Orphanet 254361, MedGen C3150989, MONDO:0013390, OMIM 613723.
Epidermolysis bullosa simplex with nail dystrophy (EBS5D). Identifiers: MedGen C4225309, MONDO:0014661, OMIM 616487.

Submission:

Labcorp Genetics (formerly Invitae), Labcorp
Classification: Uncertain significance for Autosomal recessive limb-girdle muscular dystrophy type 2Q; Epidermolysis bullosa simplex, Ogna type; Epidermolysis bullosa simplex with nail dystrophy; Epidermolysis bullosa simplex 5C, with pyloric atresia; Epidermolysis bullosa simplex 5B, with muscular dystrophy. Last evaluated: 2025-02-12. Review status: criteria provided, single submitter. Criteria: Invitae Variant Classification Sherloc (09022015). Collection method: clinical testing. Allele origin: germline.
Comment: This sequence change replaces glycine, which is neutral and non-polar, with aspartic acid, which is acidic and polar, at codon 832 of the PLEC protein (p.Gly832Asp). The frequency data for this variant in the population databases is considered unreliable, as metrics indicate poor data quality at this position in the gnomAD database. This variant has not been reported in the literature in individuals affected with PLEC-related conditions. ClinVar contains an entry for this variant (Variation ID: 1980386). Invitae Evidence Modeling of protein sequence and biophysical properties (such as structural, functional, and spatial information, amino acid conservation, physicochemical variation, residue mobility, and thermodynamic stability) indicates that this missense variant is not expected to disrupt PLEC protein function with a negative predictive value of 80%. In summary, the available evidence is currently insufficient to determine the role of this variant in disease. Therefore, it has been classified as a Variant of Uncertain Significance.

NM_201384.3(PLEC):c.2414G>A (p.Gly805Asp)

Gene: PLEC (plectin; minus strand). Cytogenetic location: 8q24.3.
Variant type: single nucleotide variant.
Coding change: c.2414G>A on transcript NM_201384.3 (MANE Select); coding-DNA position 2414, G replaced by A.
Protein change: p.Gly805Asp; replaces glycine 805 with aspartic acid.
Molecular consequence: missense variant.
Genome position (GRCh38, 1-based): chr8:143,930,427, C>T on the plus strand (G>A on the coding strand, the complement: PLEC is on the minus strand). VCF-style: chr8-143930427-C-T. GRCh37 (hg19) VCF-style: chr8-145004595-C-T.
Other names: c.2495G>A, p.Gly832Asp (NM_000445.5, NM_001410941.1); c.2372G>A, p.Gly791Asp (NM_201378.4); c.2348G>A, p.Gly783Asp (NM_201379.3); c.2825G>A, p.Gly942Asp (NM_201380.4); c.2318G>A, p.Gly773Asp (NM_201381.3); c.2414G>A, p.Gly805Asp (NM_201382.4); c.2426G>A, p.Gly809Asp (NM_201383.3); short protein forms G805D, G809D, G783D, G942D, G791D, G832D, G773D.
Identifiers: ClinVar variation 1980386 (VCV001980386.4), dbSNP rs1554713796, ClinGen allele CA372574560.